The following is an entry in ClinVar:

ClinVar aggregate classification (germline): Uncertain significance (1 of 4 stars; one submission).

Conditions:
LAMB2-related infantile-onset nephrotic syndrome. Also called: Nephrotic Syndrome, type 5; NEPHROTIC SYNDROME, TYPE 5, WITHOUT OCULAR ABNORMALITIES; NEPHROTIC SYNDROME, TYPE 5, WITH OCULAR ABNORMALITIES. Identifiers: Orphanet 306507, MedGen C3280113, MONDO:0013621, OMIM 614199.
Pierson syndrome. Also called: MICROCORIA-CONGENITAL NEPHROTIC SYNDROME. Identifiers: Orphanet 2670, MedGen C1836876, MONDO:0012184, OMIM 609049.

gnomAD v4.1: 3 of 1,613,972 alleles (0.00019%); highest among the groups gnomAD compares: Admixed American, 0.0033%; no homozygotes.

Submission:

Labcorp Genetics (formerly Invitae), Labcorp
Classification: Uncertain significance for LAMB2-related infantile-onset nephrotic syndrome; Pierson syndrome. Last evaluated: 2023-11-10. Review status: criteria provided, single submitter. Criteria: Invitae Variant Classification Sherloc (09022015). Collection method: clinical testing. Allele origin: germline.
Comment: This sequence change replaces threonine, which is neutral and polar, with lysine, which is basic and polar, at codon 1712 of the LAMB2 protein (p.Thr1712Lys). This variant is present in population databases (rs752667133, gnomAD 0.006%). This variant has not been reported in the literature in individuals affected with LAMB2-related conditions. ClinVar contains an entry for this variant (Variation ID: 851915). An algorithm developed to predict the effect of missense changes on protein structure and function (PolyPhen-2) suggests that this variant is likely to be tolerated. In summary, the available evidence is currently insufficient to determine the role of this variant in disease. Therefore, it has been classified as a Variant of Uncertain Significance.

NM_002292.4(LAMB2):c.5135C>A (p.Thr1712Lys)

Gene: LAMB2 (laminin subunit beta 2; minus strand). Cytogenetic location: 3p21.31.
Variant type: single nucleotide variant.
Coding change: c.5135C>A on transcript NM_002292.4 (MANE Select); coding-DNA position 5135, C replaced by A.
Protein change: p.Thr1712Lys; replaces threonine 1712 with lysine.
Molecular consequence: missense variant.
Genome position (GRCh38, 1-based): chr3:49,121,558, G>T on the plus strand (C>A on the coding strand, the complement: LAMB2 is on the minus strand). VCF-style: chr3-49121558-G-T. GRCh37 (hg19) VCF-style: chr3-49158991-G-T.
Other names: short protein forms T1712K.
Identifiers: ClinVar variation 851915 (VCV000851915.7), dbSNP rs752667133, ClinGen allele CA2393593.
Genomic context (GRCh38, chr3:49,121,558, plus strand): 5'-TCTGCCCTTGCCTGTGCAGCCAGCACACCTTGGGCCTTGCGCTCAGCTAGGGCCTTCACC[G>T]TCTGGTACTGATCACCCAGAGGACCGCGTAGCAGCTGCAGATGTAGAGGGTTAGGTTAGC-3'
Protein context (NP_002283.3, residues 1702-1722): LRGPLGDQYQ[Thr1712Lys]VKALAERKAQ